The following is an entry in ClinVar:

NM_019109.5(ALG1):c.266C>G (p.Thr89Arg)

Gene: ALG1 (ALG1 chitobiosyldiphosphodolichol beta-mannosyltransferase; plus strand). Cytogenetic location: 16p13.3.
Variant type: single nucleotide variant.
Coding change: c.266C>G on transcript NM_019109.5 (MANE Select); coding-DNA position 266, C replaced by G.
Protein change: p.Thr89Arg; replaces threonine 89 with arginine.
Molecular consequence: missense variant. On other transcripts: 5 prime UTR variant (1).
Genome position (GRCh38, 1-based): chr16:5,073,008, C>G. VCF-style: chr16-5073008-C-G. GRCh37 (hg19) VCF-style: chr16-5123009-C-G.
Other names: c.-68C>G (NM_001330504.2); short protein forms T89R.
Identifiers: ClinVar variation 3616608 (VCV003616608.2).

ClinVar aggregate classification (germline): Uncertain significance (1 of 4 stars; one submission).

Conditions:
ALG1-congenital disorder of glycosylation. Also called: CONGENITAL DISORDER OF GLYCOSYLATION, TYPE Ik; CDG Ik; ALG1-CDG. Identifiers: Orphanet 79327, MedGen C2931005, MONDO:0012052, OMIM 608540.

gnomAD v4.1: 2 of 1,614,194 alleles (0.00012%); highest among the groups gnomAD compares: Non-Finnish European, 0.00017%; no homozygotes.

Submission:

Labcorp Genetics (formerly Invitae), Labcorp
Classification: Uncertain significance for ALG1-congenital disorder of glycosylation. Last evaluated: 2024-10-18. Review status: criteria provided, single submitter. Criteria: Invitae Variant Classification Sherloc (09022015). Collection method: clinical testing. Allele origin: germline.
Comment: This sequence change replaces threonine, which is neutral and polar, with arginine, which is basic and polar, at codon 89 of the ALG1 protein (p.Thr89Arg). This variant is not present in population databases (gnomAD no frequency). This variant has not been reported in the literature in individuals affected with ALG1-related conditions. An algorithm developed to predict the effect of missense changes on protein structure and function outputs the following: PolyPhen-2: "Benign". The arginine amino acid residue is found in multiple mammalian species, which suggests that this missense change does not adversely affect protein function. In summary, the available evidence is currently insufficient to determine the role of this variant in disease. Therefore, it has been classified as a Variant of Uncertain Significance.